The following is an entry in ClinVar:

ClinVar aggregate classification (germline): Pathogenic/Likely pathogenic. Review status: criteria provided, multiple submitters, no conflicts (2 of 4 stars). 5 submissions from 5 submitters: Pathogenic (2); Likely pathogenic (3). Last evaluated 2025-11-25.

Conditions:
Cohen syndrome (COH1). Also called: Cutis verticis gyrata, retinitis pigmentosa, and sensorineural deafness; PEPPER SYNDROME. Identifiers: Orphanet 193, MedGen C0265223, MONDO:0008999, OMIM 216550.

Submissions (5):

Labcorp Genetics (formerly Invitae), Labcorp
Classification: Pathogenic for Cohen syndrome. Last evaluated: 2025-11-25. Review status: criteria provided, single submitter. Criteria: Invitae Variant Classification Sherloc (09022015). Collection method: clinical testing. Allele origin: germline.
Comment: This sequence change creates a premature translational stop signal (p.Leu3926Glnfs*15) in the VPS13B gene. While this is not anticipated to result in nonsense mediated decay, it is expected to disrupt the last 97 amino acid(s) of the VPS13B protein. This variant is present in population databases (no rsID available, gnomAD 0.003%). This premature translational stop signal has been observed in individual(s) with VPS13B-related conditions (PMID: 33994118). ClinVar contains an entry for this variant (Variation ID: 524122). This variant disrupts a region of the VPS13B protein in which other variant(s) (p.Pro3969Leufs*41) have been determined to be pathogenic (PMID: 15141358; internal data). This suggests that this is a clinically significant region of the protein, and that variants that disrupt it are likely to be disease-causing. For these reasons, this variant has been classified as Pathogenic.

Natera, Inc.
Classification: Likely pathogenic for Cohen syndrome. Last evaluated: 2025-03-07. Review status: criteria provided, single submitter. Criteria: Natera Variant Classification Schema (03/2026). Collection method: clinical testing. Allele origin: germline.
Comment: The c.11777_11780delTCAC variant in VPS13B is a frameshift variant predicted to shift the reading frame beginning at codon 3926 and leads to a stop codon 15 codons downstream. This variant is expected to result in nonsense mediated decay, truncation, or a dysfunctional protein product. This variant is rare in the general population with a frequency below the threshold expected for the associated phenotype(s). This variant has been observed in one or more individuals affected with the associated recessive disease, as either homozygous or compound heterozygous with a second variant (PMID: 38219857, 33994118). Given the available evidence, this variant is classified as Likely Pathogenic.

Institute of Human Genetics, University of Leipzig Medical Center
Classification: Pathogenic for Cohen syndrome. Last evaluated: 2022-05-12. Review status: criteria provided, single submitter. Criteria: ACMG Guidelines, 2015. Collection method: clinical testing. Allele origin: paternal. Affected: yes.
Comment: This variant was identified as compound heterozygous with NM_017890.5:c.5072del._x000D_ Criteria applied: PVS1, PM3, PM2_SUP

Women's Health and Genetics/Laboratory Corporation of America, LabCorp
Classification: Likely pathogenic for Cohen syndrome. Last evaluated: 2020-05-18. Review status: criteria provided, single submitter. Criteria: LabCorp Variant Classification Summary - May 2015. Collection method: clinical testing. Allele origin: germline.
Comment: Variant summary: VPS13B c.11777_11780delTCAC (p.Leu3926GlnfsX15) results in a premature termination codon, predicted to cause a truncation of the encoded protein or absence of the protein due to nonsense mediated decay, which are commonly known mechanisms for disease. A truncation downstream of this position has been classified as likely pathogenic by our laboratory. The variant allele was found at a frequency of 4e-06 in 251448 control chromosomes. To our knowledge, no occurrence of c.11777_11780delTCAC in individuals affected with Cohen Syndrome and no experimental evidence demonstrating its impact on protein function have been reported. One other clinical diagnostic laboratory has submitted clinical-significance assessments for this variant to ClinVar after 2014 without evidence for independent evaluation and cited the variant as likely pathogenic. Based on the evidence outlined above, the variant was classified as likely pathogenic.

GeneDx
Classification: Likely pathogenic. Last evaluated: 2018-11-08. Review status: criteria provided, single submitter. Criteria: GeneDx Variant Classification (06012015). Collection method: clinical testing. Allele origin: germline. Affected: yes.
Comment: The c.11777_11780delTCAC variant in the VPS13B gene has not been reported previously as a pathogenic variant nor as a benign variant, to our knowledge. The c.11777_11780delTCAC variant causes a frameshift starting with codon Leucine 3926, changes this amino acid to a Glutamine residue, and creates a premature Stop codon at position 15 of the new reading frame, denoted p.Leu3926GlnfsX15. This variant is predicted to cause loss of normal protein function through protein truncation. The c.11777_11780delTCAC variant is not observed at a significant frequency in large population cohorts (Lek et al., 2016). We interpret c.11777_11780delTCAC as a likely pathogenic variant.

Literature cited by the submitters: PubMed 33994118 (cited by Labcorp Genetics (formerly Invitae), Labcorp and Natera, Inc.); PubMed 15141358 (cited by Labcorp Genetics (formerly Invitae), Labcorp); PubMed 38219857 (cited by Natera, Inc.).

NM_152564.5(VPS13B):c.11702_11705del (p.Leu3901fs)

Gene: VPS13B (vacuolar protein sorting 13 homolog B; plus strand). Cytogenetic location: 8q22.2.
Variant type: Deletion.
Coding change: c.11702_11705del on transcript NM_152564.5 (MANE Select); coding-DNA positions 11702 to 11705, 4 bases deleted (TCAC; older notation c.11702_11705delTCAC).
Protein change: p.Leu3901fs; shifts the reading frame from leucine 3901.
Molecular consequence: frameshift variant.
Genome position (GRCh38, 1-based): chr8:99,871,654-99,871,657, TCAC deleted; deleting any 4 consecutive bases within chr8:99,871,652-99,871,657 gives the same sequence; the c. name uses the placement nearest the transcript's 3' end. VCF-style (leftmost placement, unchanged base first): chr8-99871651-TACTC-T. GRCh37 (hg19) VCF-style: chr8-100883879-TACTC-T.
Other names: c.11777_11780delTCAC (NM_017890.4); c.11777_11780del, p.Leu3926fs (NM_017890.5); short protein forms L3901fs, L3926fs.
Identifiers: ClinVar variation 524122 (VCV000524122.10), dbSNP rs1161589003, ClinGen allele CA583856679.
Genomic context (GRCh38, chr8:99,871,651, plus strand): 5'-AGCAGCAGGCCTTCCCCGTCACAGAAATCGACTGTGCACAGGACAGCAAGCAGAACAACT[TACTC>T]ACAGTGCAGCTCAAGCAGCCAAGAGTGGCCTGTGATGTGGAGGTACGTTTCAGAAAACAG-3'